The following is an entry in ClinVar:

ClinVar aggregate classification (germline): Uncertain significance (1 of 4 stars; one submission).

Submission:

Dasa
Classification: Uncertain significance. Last evaluated: 2024-12-03. Review status: criteria provided, single submitter. Criteria: DASA Assertion Criteria. Collection method: clinical testing. Allele origin: germline.
Comment: NM_001270.4(CHD1):c.1307G>A (p.Cys436Tyr) is a missense variant that results in the substitution of cysteine with tyrosine. This variant is rare in population databases. The currently available literature and clinical evidence are not sufficient to establish a definitive association between this variant and the reported condition. Therefore, this variant is classified as a variant of uncertain significance.

NM_001270.4(CHD1):c.1307G>A (p.Cys436Tyr)

Gene: CHD1 (chromodomain helicase DNA binding protein 1; minus strand). Cytogenetic location: 5q15.
Variant type: single nucleotide variant.
Coding change: c.1307G>A on transcript NM_001270.4 (MANE Select); coding-DNA position 1307, G replaced by A.
Protein change: p.Cys436Tyr; replaces cysteine 436 with tyrosine.
Molecular consequence: missense variant. On other transcripts: non-coding transcript variant (2).
Genome position (GRCh38, 1-based): chr5:98,898,314, C>T on the plus strand (G>A on the coding strand, the complement: CHD1 is on the minus strand). VCF-style: chr5-98898314-C-T. GRCh37 (hg19) VCF-style: chr5-98234018-C-T.
Other names: c.1307G>A, p.Cys436Tyr (NM_001364113.3, NM_001376194.2); short protein forms C436Y.
Identifiers: ClinVar variation 4856862 (VCV004856862.2).